The following is an entry in ClinVar:

NM_017565.4(FAM20A):c.526C>T (p.Arg176Trp)

Gene: FAM20A (FAM20A golgi associated secretory pathway pseudokinase; minus strand). Cytogenetic location: 17q24.2.
Variant type: single nucleotide variant.
Coding change: c.526C>T on transcript NM_017565.4 (MANE Select); coding-DNA position 526, C replaced by T.
Protein change: p.Arg176Trp; replaces arginine 176 with tryptophan.
Molecular consequence: missense variant. On other transcripts: non-coding transcript variant (1).
Genome position (GRCh38, 1-based): chr17:68,555,622, G>A on the plus strand (C>T on the coding strand, the complement: FAM20A is on the minus strand). VCF-style: chr17-68555622-G-A. GRCh37 (hg19) VCF-style: chr17-66551763-G-A.
Other names: c.112C>T, p.Arg38Trp (NM_001243746.2); c.526C>T (NM_017565.3); short protein forms R176W, R38W.
Identifiers: ClinVar variation 2184856 (VCV002184856.6), dbSNP rs149777674, ClinGen allele CA8730049.

ClinVar aggregate classification (germline): Uncertain significance. Review status: criteria provided, multiple submitters, no conflicts (2 of 4 stars). 3 submissions from 3 submitters: Uncertain significance (3). Last evaluated 2024-04-08.

Conditions:
Inborn genetic diseases. Identifiers: MedGen C0950123, MeSH D030342.
Amelogenesis imperfecta type 1G (AI1G). Also called: Amelogenesis imperfecta-gingival hyperplasia syndrome; ENAMEL-RENAL-GINGIVAL SYNDROME; AMELOGENESIS IMPERFECTA, HYPOPLASTIC, WITH NEPHROCALCINOSIS; Amelogenesis imperfecta hypoplastic type, IG; Amelogenesis imperfecta and nephrocalcinosis; AMELOGENESIS IMPERFECTA, TYPE IG. Identifiers: Orphanet 1031, Orphanet 171836, MedGen C2931783, MONDO:0008771, OMIM 204690. Disease mechanism: loss of function.

gnomAD v4.1: 60 of 1,613,692 alleles (0.0037%); highest among the groups gnomAD compares: Non-Finnish European, 0.0046%; no homozygotes.

Submissions (3):

Fulgent Genetics
Classification: Uncertain significance for Amelogenesis imperfecta type 1G. Last evaluated: 2024-04-08. Review status: criteria provided, single submitter. Criteria: ACMG Guidelines, 2015. Collection method: clinical testing. Allele origin: germline.

Labcorp Genetics (formerly Invitae), Labcorp
Classification: Uncertain significance. Last evaluated: 2022-05-29. Review status: criteria provided, single submitter. Criteria: Invitae Variant Classification Sherloc (09022015). Collection method: clinical testing. Allele origin: germline.
Comment: This sequence change replaces arginine, which is basic and polar, with tryptophan, which is neutral and slightly polar, at codon 176 of the FAM20A protein (p.Arg176Trp). This variant is present in population databases (rs149777674, gnomAD 0.006%). This variant has not been reported in the literature in individuals affected with FAM20A-related conditions. Algorithms developed to predict the effect of missense changes on protein structure and function are either unavailable or do not agree on the potential impact of this missense change (SIFT: "Deleterious"; PolyPhen-2: "Probably Damaging"; Align-GVGD: "Class C0"). In summary, the available evidence is currently insufficient to determine the role of this variant in disease. Therefore, it has been classified as a Variant of Uncertain Significance.

Ambry Genetics
Classification: Uncertain significance for Inborn genetic diseases. Last evaluated: 2021-07-16. Review status: criteria provided, single submitter. Criteria: Ambry Variant Classification Scheme 2023. Collection method: clinical testing. Allele origin: germline.